The following is an entry in ClinVar:

NM_001083961.2(WDR62):c.218dup (p.Ser73fs)

Gene: WDR62 (WD repeat domain 62; plus strand). Cytogenetic location: 19q13.12.
Variant type: Duplication.
Coding change: c.218dup on transcript NM_001083961.2 (MANE Select); coding-DNA position 218, one base duplicated (G; older notation c.218dupG).
Protein change: p.Ser73fs; shifts the reading frame from serine 73.
Molecular consequence: frameshift variant.
Genome position (GRCh38, 1-based): chr19:36,058,820, G duplicated. VCF-style (leftmost placement, unchanged base first): chr19-36058819-A-AG. GRCh37 (hg19) VCF-style: chr19-36549721-A-AG.
Other names: c.218dup, p.Ser73fs (NM_001411145.1, NM_001411146.1, NM_001411147.1 and 1 more transcripts); short protein forms S73fs.
Identifiers: ClinVar variation 2914586 (VCV002914586.3), dbSNP rs2513392622, ClinGen allele CA2576761360.

ClinVar aggregate classification (germline): Pathogenic (1 of 4 stars; one submission).

Allele frequency attached by ClinVar (database versions not stated): gnomAD exomes below 0.00001.

Submission:

Labcorp Genetics (formerly Invitae), Labcorp
Classification: Pathogenic. Last evaluated: 2023-12-17. Review status: criteria provided, single submitter. Criteria: Invitae Variant Classification Sherloc (09022015). Collection method: clinical testing. Allele origin: germline.
Comment: This sequence change creates a premature translational stop signal (p.Ser73Argfs*7) in the WDR62 gene. It is expected to result in an absent or disrupted protein product. Loss-of-function variants in WDR62 are known to be pathogenic (PMID: 20729831). This variant is not present in population databases (gnomAD no frequency). This variant has not been reported in the literature in individuals affected with WDR62-related conditions. For these reasons, this variant has been classified as Pathogenic.

Literature cited by the submitters: PubMed 20729831.